The following is an entry in ClinVar:

ClinVar aggregate classification (germline): Uncertain significance (1 of 4 stars; one submission).

Conditions:
Granulomatous disease, chronic, autosomal recessive, cytochrome b-negative. Also called: CGD DUE TO DEFICIENCY OF THE ALPHA SUBUNIT OF CYTOCHROME b; CGD, AUTOSOMAL RECESSIVE CYTOCHROME b-NEGATIVE; GRANULOMATOUS DISEASE, CHRONIC, AUTOSOMAL RECESSIVE, 4; Chronic granulomatous disease, autosomal, due to deficiency of CYBA; CYBA DEFICIENCY. Identifiers: Orphanet 379, MedGen C1856255, MONDO:0009308, OMIM 233690.

gnomAD v4.1: 19 of 1,611,418 alleles (0.0012%); highest among the groups gnomAD compares: African/African-American, 0.004%; no homozygotes.

Submission:

Labcorp Genetics (formerly Invitae), Labcorp
Classification: Uncertain significance for Granulomatous disease, chronic, autosomal recessive, cytochrome b-negative. Last evaluated: 2021-09-01. Review status: criteria provided, single submitter. Criteria: Invitae Variant Classification Sherloc (09022015). Collection method: clinical testing. Allele origin: germline.
Comment: This sequence change replaces lysine with arginine at codon 60 of the CYBA protein (p.Lys60Arg). The lysine residue is weakly conserved and there is a small physicochemical difference between lysine and arginine. This variant is not present in population databases (ExAC no frequency). This variant has not been reported in the literature in individuals affected with CYBA-related conditions. Algorithms developed to predict the effect of missense changes on protein structure and function output the following: SIFT: "Tolerated"; PolyPhen-2: "Benign"; Align-GVGD: "Class C0". The arginine amino acid residue is found in multiple mammalian species, which suggests that this missense change does not adversely affect protein function. In summary, the available evidence is currently insufficient to determine the role of this variant in disease. Therefore, it has been classified as a Variant of Uncertain Significance.

NM_000101.4(CYBA):c.179A>G (p.Lys60Arg)

Gene: CYBA (cytochrome b-245 alpha chain; minus strand). Cytogenetic location: 16q24.2.
Variant type: single nucleotide variant.
Coding change: c.179A>G on transcript NM_000101.4 (MANE Select); coding-DNA position 179, A replaced by G.
Protein change: p.Lys60Arg; replaces lysine 60 with arginine.
Molecular consequence: missense variant.
Genome position (GRCh38, 1-based): chr16:88,647,125, T>C on the plus strand (A>G on the coding strand, the complement: CYBA is on the minus strand). VCF-style: chr16-88647125-T-C. GRCh37 (hg19) VCF-style: chr16-88713533-T-C.
Other names: short protein forms K60R.
Identifiers: ClinVar variation 2171073 (VCV002171073.1), dbSNP rs11547387, ClinGen allele CA286353544.